The following is an entry in ClinVar:

ClinVar aggregate classification (germline): Uncertain significance (1 of 4 stars; one submission).

Conditions:
Autosomal dominant polycystic kidney disease. Identifiers: Orphanet 730, MedGen C0085413, MONDO:0004691.

Allele frequency attached by ClinVar (database versions not stated): gnomAD 0.00001; TOPMed 0.00001; ExAC 0.00002; gnomAD exomes 0.00002.
gnomAD v4.1: 27 of 1,610,344 alleles (0.0017%); highest among the groups gnomAD compares: African/African-American, 0.0027%; no homozygotes.

Submission:

Labcorp Genetics (formerly Invitae), Labcorp
Classification: Uncertain significance for Autosomal dominant polycystic kidney disease. Last evaluated: 2024-12-24. Review status: criteria provided, single submitter. Criteria: Invitae Variant Classification Sherloc (09022015). Collection method: clinical testing. Allele origin: germline.
Comment: This sequence change replaces tyrosine, which is neutral and polar, with cysteine, which is neutral and slightly polar, at codon 487 of the PKD2 protein (p.Tyr487Cys). This variant is present in population databases (rs751653904, gnomAD 0.01%). This variant has not been reported in the literature in individuals affected with PKD2-related conditions. ClinVar contains an entry for this variant (Variation ID: 2696075). Invitae Evidence Modeling of protein sequence and biophysical properties (such as structural, functional, and spatial information, amino acid conservation, physicochemical variation, residue mobility, and thermodynamic stability) indicates that this missense variant is expected to disrupt PKD2 protein function with a positive predictive value of 80%. In summary, the available evidence is currently insufficient to determine the role of this variant in disease. Therefore, it has been classified as a Variant of Uncertain Significance.

NM_000297.4(PKD2):c.1460A>G (p.Tyr487Cys)

Gene: PKD2 (polycystin 2, transient receptor potential cation channel; plus strand). Cytogenetic location: 4q22.1.
Variant type: single nucleotide variant.
Coding change: c.1460A>G on transcript NM_000297.4 (MANE Select); coding-DNA position 1460, A replaced by G.
Protein change: p.Tyr487Cys; replaces tyrosine 487 with cysteine.
Molecular consequence: missense variant. On other transcripts: non-coding transcript variant (1).
Genome position (GRCh38, 1-based): chr4:88,046,782, A>G. VCF-style: chr4-88046782-A-G. GRCh37 (hg19) VCF-style: chr4-88967934-A-G.
Other names: short protein forms Y487C.
Identifiers: ClinVar variation 2696075 (VCV002696075.3), dbSNP rs751653904, ClinGen allele CA3003949.
Genomic context (GRCh38, chr4:88,046,782, plus strand): 5'-CAACTTTTGATTTCTTCCTGGCAGCCTGTGAGATTATCTTTTGTTTCTTTATCTTTTACT[A>G]TGTGGTGGAAGAGATATTGGAAATTCGCATTCACAAACTACACTATTTCAGGAGTTTCTG-3'
Protein context (NP_000288.1, residues 477-497): EIIFCFFIFY[Tyr487Cys]VVEEILEIRI